The following is an entry in ClinVar:

NM_000246.4(CIITA):c.1240C>T (p.Arg414Ter)

Gene: CIITA (class II major histocompatibility complex transactivator; plus strand). Cytogenetic location: 16p13.13.
Variant type: single nucleotide variant.
Coding change: c.1240C>T on transcript NM_000246.4 (MANE Select); coding-DNA position 1240, C replaced by T.
Protein change: p.Arg414Ter; replaces arginine 414 with a stop codon.
Molecular consequence: nonsense. On other transcripts: intron variant (1).
Genome position (GRCh38, 1-based): chr16:10,906,732, C>T. VCF-style: chr16-10906732-C-T. GRCh37 (hg19) VCF-style: chr16-11000589-C-T.
Other names: c.1243C>T, p.Arg415Ter (NM_001286402.1, NM_001379332.1); c.1096C>T, p.Arg366Ter (NM_001379330.1); c.1093C>T, p.Arg365Ter (NM_001379331.1); c.1240C>T, p.Arg414Ter (NM_001379333.1); c.1171C>T, p.Arg391Ter (NM_001379334.1); c.859+1920C>T (NM_001286403.2); short protein forms R365*, R366*, R391*, R414*, R415*.
Identifiers: ClinVar variation 1072600 (VCV001072600.7), dbSNP rs2144701260, ClinGen allele CA394730054.

ClinVar aggregate classification (germline): Pathogenic (1 of 4 stars; one submission).

Conditions:
MHC class II deficiency. Also called: BLS, TYPE II; Bare lymphocyte syndrome 2. Identifiers: Orphanet 572, MedGen C5447452, MONDO:0008855.

gnomAD v4.1: 3 of 1,610,802 alleles (0.00019%); highest among the groups gnomAD compares: Non-Finnish European, 0.00017%; no homozygotes.

Submission:

Labcorp Genetics (formerly Invitae), Labcorp
Classification: Pathogenic for MHC class II deficiency. Last evaluated: 2022-11-09. Review status: criteria provided, single submitter. Criteria: Invitae Variant Classification Sherloc (09022015). Collection method: clinical testing. Allele origin: germline.
Comment: This variant is not present in population databases (gnomAD no frequency). This sequence change creates a premature translational stop signal (p.Arg414*) in the CIITA gene. It is expected to result in an absent or disrupted protein product. Loss-of-function variants in CIITA are known to be pathogenic (PMID: 8402893, 9099848, 26271388). This variant has not been reported in the literature in individuals affected with CIITA-related conditions. ClinVar contains an entry for this variant (Variation ID: 1072600). For these reasons, this variant has been classified as Pathogenic.

Literature cited by the submitters: PubMed 8402893; PubMed 9099848; PubMed 26271388.